The following is an entry in ClinVar:

ClinVar aggregate classification (germline): Benign/Likely benign. Review status: criteria provided, multiple submitters, no conflicts (2 of 4 stars). 2 submissions from 2 submitters: Benign (1); Likely benign (1). Last evaluated 2026-06-18.

Conditions:
Retinoblastoma (RB1). Also called: RETINOBLASTOMA, SOMATIC. Identifiers: Orphanet 790, MedGen C0035335, MeSH D012175, MONDO:0008380, OMIM 180200, HP:0009919. Disease mechanism: loss of function. Inheritance: Both sporadic and heritable forms are tested..

Submissions (2):

Myriad Genetics, Inc.
Classification: Likely benign for Retinoblastoma. Last evaluated: 2026-06-18. Review status: criteria provided, single submitter. Criteria: Myriad Autosomal Dominant, Autosomal Recessive and X-Linked Classification Criteria (2023). Collection method: clinical testing. Allele origin: unknown.
Comment: This variant is considered likely benign. This variant is intronic and is not expected to impact mRNA splicing.

Labcorp Genetics (formerly Invitae), Labcorp
Classification: Benign for Retinoblastoma. Last evaluated: 2025-06-09. Review status: criteria provided, single submitter. Criteria: Invitae Variant Classification Sherloc (09022015). Collection method: clinical testing. Allele origin: germline.

NM_000321.3(RB1):c.1216-17_1216-16delinsTG

Gene: RB1 (RB transcriptional corepressor 1; plus strand). Cytogenetic location: 13q14.2.
Variant type: Indel.
Coding change: c.1216-17_1216-16delinsTG on transcript NM_000321.3 (MANE Select); 17 bases into the intron before coding-DNA position 1216 through 16 bases into the intron before coding-DNA position 1216, GT replaced by TG.
Molecular consequence: intron variant.
Genome position (GRCh38, 1-based): chr13:48,376,901-48,376,902, GT replaced by TG. VCF-style: chr13-48376901-GT-TG. GRCh37 (hg19) VCF-style: chr13-48951037-GT-TG.
Identifiers: ClinVar variation 2194444 (VCV002194444.5), dbSNP rs2542198661, ClinGen allele CA2580087551.